The following is an entry in ClinVar:

ClinVar aggregate classification (germline): Uncertain significance (1 of 4 stars; one submission).

Conditions:
Cardiovascular phenotype. Identifiers: MedGen CN230736.

Submission:

Ambry Genetics
Classification: Uncertain significance for Cardiovascular phenotype. Last evaluated: 2024-11-05. Review status: criteria provided, single submitter. Criteria: Ambry Variant Classification Scheme 2023. Collection method: clinical testing. Allele origin: germline.
Comment: The p.T3411A variant (also known as c.10231A>G), located in coding exon 38 of the ANK2 gene, results from an A to G substitution at nucleotide position 10231. The threonine at codon 3411 is replaced by alanine, an amino acid with similar properties. This amino acid position is conserved. In addition, this alteration is predicted to be tolerated by in silico analysis. Based on the available evidence, the clinical significance of this variant remains unclear.

NM_001148.6(ANK2):c.10231A>G (p.Thr3411Ala)

Gene: ANK2 (ankyrin 2; plus strand). Cytogenetic location: 4q26.
Variant type: single nucleotide variant.
Coding change: c.10231A>G on transcript NM_001148.6 (MANE Select); coding-DNA position 10231, A replaced by G.
Protein change: p.Thr3411Ala; replaces threonine 3411 with alanine.
Molecular consequence: missense variant. On other transcripts: intron variant (68).
Genome position (GRCh38, 1-based): chr4:113,358,849, A>G. VCF-style: chr4-113358849-A-G. GRCh37 (hg19) VCF-style: chr4-114280005-A-G.
Other names: c.9997A>G, p.Thr3333Ala (NM_001386142.1); c.6631A>G, p.Thr2211Ala (NM_001386166.1); c.10372A>G, p.Thr3458Ala (NM_001386174.1); c.10348A>G, p.Thr3450Ala (NM_001386175.1); c.4412-1974A>G (NM_001386186.2, NM_001386148.2); c.4214-1974A>G (NM_001354269.3); c.4292-1974A>G (NM_001386187.2); c.4253-1974A>G (NM_001386147.1); and 35 more; short protein forms T3333A, T3450A, T3411A, T3458A, T2211A.
Identifiers: ClinVar variation 3540521 (VCV003540521.1).